The following is an entry in ClinVar:

ClinVar aggregate classification (germline): Uncertain significance (1 of 4 stars; one submission).

Conditions:
Primary ciliary dyskinesia. Also called: Ciliary dyskinesia. Identifiers: Orphanet 244, MedGen C0008780, MONDO:0016575, HP:0012265.

Allele frequency attached by ClinVar (database versions not stated): gnomAD 0.00001; gnomAD exomes 0.00001.
gnomAD v4.1: 16 of 1,613,602 alleles (0.00099%); highest among the groups gnomAD compares: Non-Finnish European, 0.0014%; no homozygotes.

Submission:

Labcorp Genetics (formerly Invitae), Labcorp
Classification: Uncertain significance for Primary ciliary dyskinesia. Last evaluated: 2016-05-28. Review status: criteria provided, single submitter. Criteria: Invitae Variant Classification Sherloc (09022015). Collection method: clinical testing. Allele origin: germline.
Comment: This sequence change replaces glycine with cysteine at codon 3265 of the DNAH8 protein (p.Gly3265Cys). The glycine residue is highly conserved and there is a large physicochemical difference between glycine and cysteine. This variant is not present in population databases (ExAC no frequency) and has not been reported in the literature in individuals with a DNAH8-related disease. Algorithms developed to predict the effect of missense changes on protein structure and function (SIFT, PolyPhen-2, Align-GVGD) all suggest that this variant is likely to be disruptive, but these predictions have not been confirmed by published functional studies. In summary, this variant is a novel missense change with uncertain impact on protein function. It has been classified as a Variant of Uncertain Significance.

NM_001206927.2(DNAH8):c.9793G>T (p.Gly3265Cys)

Genes: DNAH8 (dynein axonemal heavy chain 8; plus strand), DNAH8-AS1 (DNAH8 antisense RNA 1; minus strand). Cytogenetic location: 6p21.2.
Variant type: single nucleotide variant.
Coding change: c.9793G>T on transcript NM_001206927.2 (MANE Select); coding-DNA position 9793, G replaced by T.
Protein change: p.Gly3265Cys; replaces glycine 3265 with cysteine.
Molecular consequence: missense variant.
Genome position (GRCh38, 1-based): chr6:38,911,520, G>T. VCF-style: chr6-38911520-G-T. GRCh37 (hg19) VCF-style: chr6-38879296-G-T.
Other names: c.9142G>T, p.Gly3048Cys (NM_001371.4); short protein forms G3265C, G3048C.
Identifiers: ClinVar variation 407301 (VCV000407301.9), dbSNP rs1060501471, ClinGen allele CA16611995.
Genomic context (GRCh38, chr6:38,911,520, plus strand): 5'-GCTTTCAGATACCGCCGAAGAGCACATGTGACTCCCAAATCTTACCTCTCATTTATAAAT[G>T]GTTATAAAAACATTTATGCTGAAAAGGTGAAGTTCATTAATGAACAGGCTGAACGTATGA-3'
Protein context (NP_001193856.1, residues 3255-3275): TPKSYLSFIN[Gly3265Cys]YKNIYAEKVK